The following continues an entry in ClinVar:

NM_058216.3(RAD51C):c.784T>G (p.Leu262Val)

Gene: RAD51C. ClinVar aggregate classification (germline): Conflicting classifications of pathogenicity. Uncertain significance (17); Benign (1); Likely benign (3).

Submissions 9 to 24 of 25:

Molecular Diagnostics Laboratory, Catalan Institute of Oncology
Classification: Uncertain significance for Hereditary cancer-predisposing syndrome. Last evaluated: 2025-05-25. Review status: criteria provided, single submitter. Criteria: ACMG Guidelines, 2015. Collection method: clinical testing. Allele origin: germline.
Comment: PP3, BS3_Supporting c.784T>G, located in exon 5 of the RAD51C gene, is predicted to result in the substitution of Leu by Val at codon 262, p.(Leu262Val).This variant is found in 18/268302 alleles at a frequency of 0.0067% in the gnomAD v2.1.1 database, non-cancer dataset. The SpliceAI algorithm predicts that the variant generates a novel cryptic splice donor site (deltascore: 0.71), that could cause the out-of-frame skipping of the last 58 nucleotides of exon 5 (r.780_837del, p.Leu261Ter), without affecting the natural splice site as no donor loss is predicted (deltascore: 0.01) (PP3). RNA studies performed by Ambry have demonstrated that this alteration results in an incomplete splice defect in the set of samples tested, so the clinical impact of this abnormal splicing is unknown at this time (Ambry internal data). The REVEL meta-predictor score (0.307) for this variant is indeterminate regarding the effect that it may have on protein function according to Pejaver 2022 thresholds (PMID: 36413997). A homology-directed repair (HDR) assay in reconstituted RAD51C-/- CL-V4B cells showed that this variant retains high levels of RAD51C protein activitiy (PMID: 37253112). Also, this variant maintains HR activity at levels comparable to the wild-type protein, indicating no loss of function (PMID: 36074838) (BS3_Supporting). This variant has also been reported in ovarian cases (4/3429) and in controls (1/2772) in a case-control study of ovarian cancer (PMID: 26261251). This variant has been reported in the ClinVar database (19x uncertain significance, 1x likely benign) and in the LOVD database (4x uncertain significance). At present ClinVar does not describe pathogenic or likely pathogenic missense variants in this codon. Based on currently available information, the variant c.784T>G should be considered an uncertain significance variant according to ACMG guidelines.

GeneDx
Classification: Uncertain significance. Last evaluated: 2025-05-05. Review status: criteria provided, single submitter. Criteria: GeneDx Variant Classification Process June 2021. Collection method: clinical testing. Allele origin: germline. Affected: yes.
Comment: Observed in individuals with breast, ovarian, colon, or pancreatic cancer, but also in controls (PMID: 21990120, 24504028, 26261251, 26740214, 28767289, 28135145, 29522266, 30426508, 32659497, 33471991, 35039523); Published functional studies demonstrate normal homology-directed repair (HDR) activity in vitro (PMID: 37253112); In silico analysis supports a deleterious effect on splicing; In silico analysis indicates that this missense variant does not alter protein structure/function; This variant is associated with the following publications: (PMID: 25470109, 23117857, 27527004, 29522266, 21990120, 26261251, 25086635, 28135145, 24504028, 26740214, 28767289, 32659497, 33471991, 31874108, 30426508, 26580448, 35980532, 35039523, 30306255, 32885271, 29416752, 37253112, 14704354, 39299233)

Mayo Clinic Laboratories, Mayo Clinic
Classification: Uncertain significance. Last evaluated: 2025-04-18. Review status: criteria provided, single submitter. Criteria: ACMG Guidelines, 2015. Collection method: clinical testing. Allele origin: germline. Observed: 1 variant allele.
Comment: BS3_supporting, PP3

Color Diagnostics, LLC DBA Color Health
Classification: Uncertain significance for Hereditary cancer-predisposing syndrome. Last evaluated: 2025-01-07. Review status: criteria provided, single submitter. Criteria: ACMG Guidelines, 2015. Collection method: clinical testing. Allele origin: germline.
Comment: This missense variant replaces leucine with valine at codon 262 of the RAD51C protein. Computational prediction suggests that this variant may not impact protein structure and function. Experimental studies have reported that this variant does not impact function (PMID: 36099300, 39299233). This variant has been observed in individuals affected with breast, ovarian, and pancreatic cancer (PMID: 21990120, 24504028, 26261251, 26740214, 28767289, 32659497, 35039523, 36099300), and with a pathogenic ATM co-variant in an individual affected with colon cancer (PMID: 28135145). This variant has also been reported in an unaffected individual in a case-control study of ovarian cancer (PMID: 26261251). In a large breast cancer case-control meta-analysis, this variant has been observed in 25/60441 cases and 13/53448 controls (OR=1.701, 95%CI 0.87 to 3.324, p-value=0.143; PMID: 33471991). This variant has been identified in 20/282828 chromosomes in the general population by the Genome Aggregation Database (gnomAD) and in 5 individuals age 70 years or older without cancer by FLOSSIES. The available evidence is insufficient to determine the role of this variant in disease conclusively. Therefore, this variant is classified as a Variant of Uncertain Significance.

Baylor Genetics
Classification: Uncertain significance for Breast-ovarian cancer, familial, susceptibility to, 3. Last evaluated: 2024-03-18. Review status: criteria provided, single submitter. Criteria: ACMG Guidelines, 2015. Collection method: clinical testing. Allele origin: unknown.

Blueprint Genetics
Classification: Uncertain significance. Last evaluated: 2023-09-26. Review status: criteria provided, single submitter. Criteria: ACMG Guidelines, 2015. Collection method: clinical testing. Allele origin: germline.

Myriad Genetics, Inc.
Classification: Likely benign for Breast-ovarian cancer, familial, susceptibility to, 3. Last evaluated: 2023-03-31. Review status: criteria provided, single submitter. Criteria: Myriad Autosomal Dominant, Autosomal Recessive and X-Linked Classification Criteria (2023). Collection method: clinical testing. Allele origin: unknown.
Comment: This variant is considered likely benign. This variant is strongly associated with less severe personal and family histories of cancer, typical for individuals without pathogenic variants in this gene [PMID: 25085752].

Institute for Clinical Genetics, University Hospital TU Dresden, University Hospital TU Dresden
Classification: Uncertain significance. Last evaluated: 2021-11-03. Review status: criteria provided, single submitter. Criteria: ACMG Guidelines, 2015. Collection method: clinical testing. Allele origin: germline.

Sema4
Classification: Uncertain significance for Hereditary cancer-predisposing syndrome. Last evaluated: 2021-09-10. Review status: criteria provided, single submitter. Criteria: Sema4 Curation Guidelines. Collection method: curation. Allele origin: germline.
Comment: The RAD51C c.784T>G (p.L262V) variant has been reported in individuals with ovarian, pancreatic cancer, and acute myeloid leukemia (PMID: 21990120, 26740214, 28767289, 25086635, 26261251, 24504028, 32659497, 26580448). This variant has also been reported in 25/60466 cases and 13/53461 controls from a large breast cancer case-control study (PMID 33471991). It was observed in 16/129150 chromosomes of the Non-Finnish European subpopulation in the large and broad cohorts of the Genome Aggregation Database (PMID: 32461654). The variant has been reported in ClinVar (Variation ID 128210). Functional studies have not been performed, and in silico predictions of the variant's effect on protein function are inconclusive. The evidence is insufficient to meet ACMG/AMP criteria for classifying the variant as benign or pathogenic. Thus, the clinical significance of this variant is currently uncertain.

CHEO Genetics Diagnostic Laboratory, Children's Hospital of Eastern Ontario
Classification: Uncertain significance for Breast and/or ovarian cancer. Last evaluated: 2021-05-14. Review status: criteria provided, single submitter. Criteria: ACMG Guidelines, 2015. Collection method: clinical testing. Allele origin: germline.

Institute of Human Genetics, University of Leipzig Medical Center
Classification: Uncertain significance for Breast-ovarian cancer, familial, susceptibility to, 3. Last evaluated: 2019-06-04. Review status: criteria provided, single submitter. Criteria: ACMG Guidelines, 2015. Collection method: clinical testing. Allele origin: germline. Affected: yes. Observed: 1 variant allele.

Mendelics
Classification: Uncertain significance for Fanconi anemia complementation group O. Last evaluated: 2019-05-28. Review status: criteria provided, single submitter. Criteria: Mendelics Assertion Criteria 2017. Collection method: clinical testing. Allele origin: unknown.

Fulgent Genetics
Classification: Uncertain significance for Fanconi anemia complementation group O; Breast-ovarian cancer, familial, susceptibility to, 3. Last evaluated: 2018-10-31. Review status: criteria provided, single submitter. Criteria: ACMG Guidelines, 2015. Collection method: clinical testing. Allele origin: unknown.

Counsyl
Classification: Uncertain significance for Fanconi anemia complementation group O. Last evaluated: 2016-08-10. Review status: no assertion criteria provided. Collection method: clinical testing. Allele origin: unknown. Not counted in ClinVar's aggregate classification.

Counsyl
Classification: Uncertain significance for Breast-ovarian cancer, familial, susceptibility to, 3. Last evaluated: 2016-08-10. Review status: no assertion criteria provided. Collection method: clinical testing. Allele origin: unknown. Not counted in ClinVar's aggregate classification.

Leiden Open Variation Database
Classification: Uncertain significance for Ovarian cancer. Last evaluated: 2011-08-25. Review status: no assertion criteria provided. Collection method: curation. Allele origin: germline. Affected: no. Not counted in ClinVar's aggregate classification.
Comment: Curator: Arleen D. Auerbach. Submitter to LOVD: Ian Campbell.